The following is an entry in ClinVar:

ClinVar aggregate classification (germline): Uncertain significance. Review status: criteria provided, multiple submitters, no conflicts (2 of 4 stars). 2 submissions from 2 submitters: Uncertain significance (2). Last evaluated 2023-04-05.

Conditions:
Inborn genetic diseases. Identifiers: MedGen C0950123, MeSH D030342.

Allele frequency attached by ClinVar (database versions not stated): gnomAD 0.00001; ExAC 0.00003; gnomAD exomes 0.00003.
gnomAD v4.1: 42 of 1,612,650 alleles (0.0026%); highest among the groups gnomAD compares: South Asian, 0.045%; 1 homozygote.

Submissions (2):

Ambry Genetics
Classification: Uncertain significance for Inborn genetic diseases. Last evaluated: 2023-04-05. Review status: criteria provided, single submitter. Criteria: Ambry Variant Classification Scheme 2023. Collection method: clinical testing. Allele origin: germline.

Labcorp Genetics (formerly Invitae), Labcorp
Classification: Uncertain significance. Last evaluated: 2023-03-17. Review status: criteria provided, single submitter. Criteria: Invitae Variant Classification Sherloc (09022015). Collection method: clinical testing. Allele origin: germline.
Comment: In summary, the available evidence is currently insufficient to determine the role of this variant in disease. Therefore, it has been classified as a Variant of Uncertain Significance. Experimental studies and prediction algorithms are not available or were not evaluated, and the functional significance of this variant is currently unknown. This variant has not been reported in the literature in individuals affected with PCLO-related conditions. This variant is present in population databases (rs765237801, gnomAD 0.06%). This sequence change replaces arginine, which is basic and polar, with glycine, which is neutral and non-polar, at codon 4461 of the PCLO protein (p.Arg4461Gly).

NM_033026.6(PCLO):c.13381C>G (p.Arg4461Gly)

Gene: PCLO (piccolo presynaptic cytomatrix protein; minus strand). Cytogenetic location: 7q21.11.
Variant type: single nucleotide variant.
Coding change: c.13381C>G on transcript NM_033026.6 (MANE Select); coding-DNA position 13381, C replaced by G.
Protein change: p.Arg4461Gly; replaces arginine 4461 with glycine.
Molecular consequence: missense variant.
Genome position (GRCh38, 1-based): chr7:82,908,933, G>C on the plus strand (C>G on the coding strand, the complement: PCLO is on the minus strand). VCF-style: chr7-82908933-G-C. GRCh37 (hg19) VCF-style: chr7-82538249-G-C.
Other names: c.13381C>G, p.Arg4461Gly (NM_014510.3); short protein forms R4461G.
Identifiers: ClinVar variation 2515452 (VCV002515452.3), dbSNP rs765237801, ClinGen allele CA4319180.
Genomic context (GRCh38, chr7:82,908,933, plus strand): 5'-TTACTTGCTCTTGATGTTGACTGAGTGGTCTAGAGTGGACCAATCTTTCCGGCAGTTTTC[G>C]GTCCAGACCATGTCCATTTTCCAAACGAGACTCCCTGGGTTTATCAAACCAATCTGTTTC-3'
Protein context (NP_149015.2, residues 4451-4471): SRLENGHGLD[Arg4461Gly]KLPERLVHSR